The following is an entry in ClinVar:

NM_014003.4(DHX38):c.3540G>A (p.Glu1180=)

Gene: DHX38 (DEAH-box helicase 38; plus strand). Cytogenetic location: 16q22.2.
Variant type: single nucleotide variant.
Coding change: c.3540G>A on transcript NM_014003.4 (MANE Select); coding-DNA position 3540, G replaced by A.
Protein change: p.Glu1180=; no amino-acid change (glutamic acid 1180 retained).
Molecular consequence: synonymous variant.
Genome position (GRCh38, 1-based): chr16:72,111,018, G>A. VCF-style: chr16-72111018-G-A. GRCh37 (hg19) VCF-style: chr16-72144917-G-A.
Other names: c.3540G>A (NM_014003.3).
Identifiers: ClinVar variation 1561022 (VCV001561022.11), dbSNP rs371083651, ClinGen allele CA8161026.
Genomic context (GRCh38, chr16:72,111,018, plus strand): 5'-GAACCGTCGTCGGGCCAAAGAGGAAGCCTCTGCCATGGAGGAGGAGATGGCGCTGGCCGA[G>A]GAGCAGCTGCGAGCCCGGCGGCAGGAGCAGGAGAAGCGCAGCCCCCTGGGCAGTGTCAGG-3'
Protein context (NP_054722.2, residues 1170-1190): SAMEEEMALA[Glu1180=]EQLRARRQEQ

ClinVar aggregate classification (germline): Likely benign. Review status: criteria provided, single submitter (1 of 4 stars). 2 submissions from 2 submitters: Likely benign (1). 1 of the submissions does not count toward it. Last evaluated 2025-06-17.

Conditions:
DHX38-related disorder. Also called: DHX38-related condition.

Allele frequency attached by ClinVar (database versions not stated): gnomAD exomes 0.00002; ESP Exome Variant Server 0.00008; ExAC 0.00009.
gnomAD v4.1: 12 of 1,585,526 alleles (0.00076%); highest among the groups gnomAD compares: Admixed American, 0.013%; no homozygotes.

Submissions (2):

Labcorp Genetics (formerly Invitae), Labcorp
Classification: Likely benign. Last evaluated: 2025-06-17. Review status: criteria provided, single submitter. Criteria: Invitae Variant Classification Sherloc (09022015). Collection method: clinical testing. Allele origin: germline.

PreventionGenetics, part of Exact Sciences
Classification: Likely benign for DHX38-related condition. Last evaluated: 2019-11-06. Review status: no assertion criteria provided. Collection method: clinical testing. Allele origin: germline. Not counted in ClinVar's aggregate classification.
Comment: This variant is classified as likely benign based on ACMG/AMP sequence variant interpretation guidelines (Richards et al. 2015 PMID: 25741868, with internal and published modifications).